The following is an entry in ClinVar:

NM_001211.6(BUB1B):c.1919C>T (p.Pro640Leu)

Gene: BUB1B (BUB1 mitotic checkpoint serine/threonine kinase B; plus strand). Cytogenetic location: 15q15.1.
Variant type: single nucleotide variant.
Coding change: c.1919C>T on transcript NM_001211.6 (MANE Select); coding-DNA position 1919, C replaced by T.
Protein change: p.Pro640Leu; replaces proline 640 with leucine.
Molecular consequence: missense variant.
Genome position (GRCh38, 1-based): chr15:40,206,368, C>T. VCF-style: chr15-40206368-C-T. GRCh37 (hg19) VCF-style: chr15-40498569-C-T.
Other names: short protein forms P640L.
Identifiers: ClinVar variation 567797 (VCV000567797.11), dbSNP rs370388424, ClinGen allele CA7475902.
Genomic context (GRCh38, chr15:40,206,368, plus strand): 5'-CTCCTTTTCATGAGATAATGTCCTTGAAGGATCTCCCTTCTGATCCTGAGAGACTGTTAC[C>T]GGAAGAAGATCTAGATGTAAAGACCTCTGAGGACCAGCAGACAGCTTGTGGCACTATCTA-3'
Protein context (NP_001202.5, residues 630-650): DLPSDPERLL[Pro640Leu]EEDLDVKTSE

ClinVar aggregate classification (germline): Uncertain significance. Review status: criteria provided, multiple submitters, no conflicts (2 of 4 stars). 4 submissions from 4 submitters: Uncertain significance (4). Last evaluated 2024-11-10.

Conditions:
Inborn genetic diseases. Identifiers: MedGen C0950123, MeSH D030342.
Mosaic variegated aneuploidy syndrome 1 (MVA1). Also called: Warburton-Anyane-Yeboa syndrome. Identifiers: Orphanet 1052, MedGen C1850343, MONDO:0009759, OMIM 257300.

Allele frequency attached by ClinVar (database versions not stated): gnomAD 0.00001; TOPMed 0.00002; ExAC 0.00004; gnomAD exomes 0.00004; ESP Exome Variant Server 0.00008.
gnomAD v4.1: 61 of 1,613,972 alleles (0.0038%); highest among the groups gnomAD compares: Admixed American, 0.018%; no homozygotes.

Submissions (4):

Ambry Genetics
Classification: Uncertain significance for Inborn genetic diseases. Last evaluated: 2024-11-10. Review status: criteria provided, single submitter. Criteria: Ambry Variant Classification Scheme 2023. Collection method: clinical testing. Allele origin: germline.

Labcorp Genetics (formerly Invitae), Labcorp
Classification: Uncertain significance for Mosaic variegated aneuploidy syndrome 1. Last evaluated: 2024-10-28. Review status: criteria provided, single submitter. Criteria: Invitae Variant Classification Sherloc (09022015). Collection method: clinical testing. Allele origin: germline.
Comment: This sequence change replaces proline, which is neutral and non-polar, with leucine, which is neutral and non-polar, at codon 640 of the BUB1B protein (p.Pro640Leu). This variant is present in population databases (rs370388424, gnomAD 0.02%). This variant has not been reported in the literature in individuals affected with BUB1B-related conditions. ClinVar contains an entry for this variant (Variation ID: 567797). An algorithm developed to predict the effect of missense changes on protein structure and function (PolyPhen-2) suggests that this variant is likely to be tolerated. In summary, the available evidence is currently insufficient to determine the role of this variant in disease. Therefore, it has been classified as a Variant of Uncertain Significance.

Women's Health and Genetics/Laboratory Corporation of America, LabCorp
Classification: Uncertain significance. Last evaluated: 2023-10-31. Review status: criteria provided, single submitter. Criteria: LabCorp Variant Classification Summary - May 2015. Collection method: clinical testing. Allele origin: germline.
Comment: Variant summary: BUB1B c.1919C>T (p.Pro640Leu) results in a non-conservative amino acid change in the encoded protein sequence. Four of five in-silico tools predict a benign effect of the variant on protein function. The variant allele was found at a frequency of 4e-05 in 251466 control chromosomes. To our knowledge, no occurrence of c.1919C>T in individuals affected with Mosaic Variegated Aneuploidy Syndrome 1 and no experimental evidence demonstrating its impact on protein function have been reported. Two submitters have cited clinical-significance assessments for this variant to ClinVar after 2014. Both submitters classified the variant as uncertain significance. Based on the evidence outlined above, the variant was classified as uncertain significance.

St. Jude Molecular Pathology, St. Jude Children's Research Hospital
Classification: Uncertain significance for Mosaic variegated aneuploidy syndrome 1. Last evaluated: 2022-11-30. Review status: criteria provided, single submitter. Criteria: St. Jude Assertion Criteria 2020. Collection method: clinical testing. Allele origin: germline.
Comment: The BUB1B c.1919C>T (p.Pro640Leu) missense change has a maximum subpopulation frequency of 0.017% in gnomAD v2.1.1. The in silico tool REVEL predicts a benign effect on protein function, but to our knowledge this prediction has not been confirmed by functional studies. To our knowledge, this variant has not been reported in individuals with mosaic variegated aneuploidy syndrome. In summary, the evidence currently available is insufficient to determine the role of this variant in mosaic variegated aneuploidy syndrome. It has therefore been classified as of uncertain significance.